The following is an entry in ClinVar:

ClinVar aggregate classification (germline): Uncertain significance (1 of 4 stars; one submission).

Allele frequency attached by ClinVar (database versions not stated): gnomAD exomes below 0.00001.
gnomAD v4.1: 1 of 1,612,268 alleles (0.000062%); highest among the groups gnomAD compares: Admixed American, 0.0017%; no homozygotes.

Submission:

Labcorp Genetics (formerly Invitae), Labcorp
Classification: Uncertain significance. Last evaluated: 2023-07-17. Review status: criteria provided, single submitter. Criteria: Invitae Variant Classification Sherloc (09022015). Collection method: clinical testing. Allele origin: germline.
Comment: This variant has not been reported in the literature in individuals affected with PRPF8-related conditions. This variant is not present in population databases (gnomAD no frequency). This sequence change falls in intron 9 of the PRPF8 gene. It does not directly change the encoded amino acid sequence of the PRPF8 protein. In summary, the available evidence is currently insufficient to determine the role of this variant in disease. Therefore, it has been classified as a Variant of Uncertain Significance. Algorithms developed to predict the effect of sequence changes on RNA splicing suggest that this variant may create or strengthen a splice site.

NM_006445.4(PRPF8):c.1290-16G>A

Gene: PRPF8 (pre-mRNA processing factor 8; minus strand). Cytogenetic location: 17p13.3.
Variant type: single nucleotide variant.
Coding change: c.1290-16G>A on transcript NM_006445.4 (MANE Select); 16 bases into the intron before coding-DNA position 1290, G replaced by A.
Molecular consequence: intron variant.
Genome position (GRCh38, 1-based): chr17:1,679,426, C>T on the plus strand (G>A on the coding strand, the complement: PRPF8 is on the minus strand). VCF-style: chr17-1679426-C-T. GRCh37 (hg19) VCF-style: chr17-1582720-C-T.
Identifiers: ClinVar variation 2972890 (VCV002972890.3), dbSNP rs2543775999, ClinGen allele CA2635255658.